The following is an entry in ClinVar:

NM_014739.3(BCLAF1):c.597C>T (p.Ile199=)

Gene: BCLAF1 (BCL2 associated transcription factor 1; minus strand). Cytogenetic location: 6q23.3.
Variant type: single nucleotide variant.
Coding change: c.597C>T on transcript NM_014739.3 (MANE Select); coding-DNA position 597, C replaced by T.
Protein change: p.Ile199=; no amino-acid change (isoleucine 199 retained).
Molecular consequence: synonymous variant. On other transcripts: non-coding transcript variant (7).
Genome position (GRCh38, 1-based): chr6:136,278,284, G>A on the plus strand (C>T on the coding strand, the complement: BCLAF1 is on the minus strand). VCF-style: chr6-136278284-G-A. GRCh37 (hg19) VCF-style: chr6-136599422-G-A.
Other names: c.591C>T, p.Ile197= (NM_001077440.3, NM_001301038.3, NM_001386696.1 and 2 more transcripts); c.597C>T, p.Ile199= (NM_001077441.3, NM_001363659.3, NM_001386693.1 and 8 more transcripts).
Identifiers: ClinVar variation 2656928 (VCV002656928.24), dbSNP rs754556518, ClinGen allele CA4015168.

ClinVar aggregate classification (germline): Likely benign (1 of 4 stars; one submission).

Submission:

CeGaT Center for Human Genetics Tuebingen
Classification: Likely benign. Last evaluated: 2022-04-01. Review status: criteria provided, single submitter. Criteria: CeGaT Center For Human Genetics Tuebingen Variant Classification Criteria Version 2. Collection method: clinical testing. Allele origin: germline. Affected: yes. Observed: 1 variant allele.
Comment: BCLAF1: BP4, BP7